The following is an entry in ClinVar:

NM_006531.5(IFT88):c.522A>G (p.Lys174=)

Gene: IFT88 (intraflagellar transport 88; plus strand). Cytogenetic location: 13q12.11.
Variant type: single nucleotide variant.
Coding change: c.522A>G on transcript NM_006531.5 (MANE Select); coding-DNA position 522, A replaced by G.
Protein change: p.Lys174=; no amino-acid change (lysine 174 retained).
Molecular consequence: synonymous variant. On other transcripts: 5 prime UTR variant (1), non-coding transcript variant (5).
Genome position (GRCh38, 1-based): chr13:20,597,047, A>G. VCF-style: chr13-20597047-A-G. GRCh37 (hg19) VCF-style: chr13-21171186-A-G.
Other names: c.465A>G, p.Lys155= (NM_001318491.2, NM_001353573.2, NM_001353574.2 and 1 more transcripts); c.549A>G, p.Lys183= (NM_001318493.2, NM_001353565.2, NM_001353566.2 and 6 more transcripts); c.522A>G, p.Lys174= (NM_001353568.2, NM_001353571.2, NM_001353572.2 and 1 more transcripts); c.-112A>G (NM_001353579.2); c.549A>G (NM_175605.4).
Identifiers: ClinVar variation 1657986 (VCV001657986.10), dbSNP rs145475438, ClinGen allele CA6905122.

ClinVar aggregate classification (germline): Likely benign. Review status: criteria provided, single submitter (1 of 4 stars). 2 submissions from 2 submitters: Likely benign (1). 1 of the submissions does not count toward it. Last evaluated 2025-12-19.

Conditions:
IFT88-related disorder. Also called: IFT88-related condition.

Allele frequency attached by ClinVar (database versions not stated): gnomAD 0.00015 and 0.00036; gnomAD exomes 0.00025; ExAC 0.00042; TOPMed 0.00043; ESP Exome Variant Server 0.00054.
gnomAD v4.1: 555 of 1,606,986 alleles (0.035%); highest among the groups gnomAD compares: Non-Finnish European, 0.043%; 1 homozygote.

Submissions (2):

Labcorp Genetics (formerly Invitae), Labcorp
Classification: Likely benign. Last evaluated: 2025-12-19. Review status: criteria provided, single submitter. Criteria: Invitae Variant Classification Sherloc (09022015). Collection method: clinical testing. Allele origin: germline.

PreventionGenetics, part of Exact Sciences
Classification: Likely benign for IFT88-related condition. Last evaluated: 2020-01-03. Review status: no assertion criteria provided. Collection method: clinical testing. Allele origin: germline. Not counted in ClinVar's aggregate classification.
Comment: This variant is classified as likely benign based on ACMG/AMP sequence variant interpretation guidelines (Richards et al. 2015 PMID: 25741868, with internal and published modifications).